The following is an entry in ClinVar:

NM_207352.4(CYP4V2):c.413+1G>A

Gene: CYP4V2 (cytochrome P450 family 4 subfamily V member 2; plus strand). Cytogenetic location: 4q35.1.
Variant type: single nucleotide variant.
Coding change: c.413+1G>A on transcript NM_207352.4 (MANE Select); the canonical splice donor site of the intron after coding-DNA position 413, G replaced by A.
Molecular consequence: splice donor variant.
Genome position (GRCh38, 1-based): chr4:186,196,089, G>A. VCF-style: chr4-186196089-G-A. GRCh37 (hg19) VCF-style: chr4-187117243-G-A.
Other names: c.413+1G>A (NM_207352.3).
Identifiers: ClinVar variation 2043557 (VCV002043557.6), dbSNP rs1473120800, ClinGen allele CA358947227.

ClinVar aggregate classification (germline): Likely pathogenic. Review status: criteria provided, multiple submitters, no conflicts (2 of 4 stars). 3 submissions from 3 submitters: Likely pathogenic (3). Last evaluated 2026-06-04.

Conditions:
CYP4V2-related disorder. Also called: CYP4V2-related disorders; CYP4V2-related condition.

Allele frequency attached by ClinVar (database versions not stated): gnomAD exomes below 0.00001; gnomAD 0.00001; TOPMed 0.00001.
gnomAD v4.1: 7 of 1,609,724 alleles (0.00043%); highest among the groups gnomAD compares: Admixed American, 0.0083%; no homozygotes.

Submissions (3):

PreventionGenetics, part of Exact Sciences
Classification: Likely pathogenic for CYP4V2-related condition. Last evaluated: 2026-06-04. Review status: criteria provided, single submitter. Criteria: ACMG Guidelines, 2015. Collection method: clinical testing. Allele origin: germline.
Comment: The CYP4V2 c.413+1G>A variant is predicted to disrupt the GT donor site and interfere with normal splicing. To our knowledge, this variant has not been reported in individuals with CYP4V2-related retinal disease or in a large population database (gnomAD), indicating this variant is rare. Variants that disrupt the consensus splice donor site in CYP4V2 are expected to be pathogenic. This variant is interpreted as likely pathogenic.

Labcorp Genetics (formerly Invitae), Labcorp
Classification: Likely pathogenic. Last evaluated: 2022-10-09. Review status: criteria provided, single submitter. Criteria: Invitae Variant Classification Sherloc (09022015). Collection method: clinical testing. Allele origin: germline.
Comment: In summary, the currently available evidence indicates that the variant is pathogenic, but additional data are needed to prove that conclusively. Therefore, this variant has been classified as Likely Pathogenic. Algorithms developed to predict the effect of sequence changes on RNA splicing suggest that this variant may disrupt the consensus splice site. This variant has not been reported in the literature in individuals affected with CYP4V2-related conditions. This variant is present in population databases (no rsID available, gnomAD 0.003%). This sequence change affects a donor splice site in intron 3 of the CYP4V2 gene. It is expected to disrupt RNA splicing. Variants that disrupt the donor or acceptor splice site typically lead to a loss of protein function (PMID: 16199547), and loss-of-function variants in CYP4V2 are known to be pathogenic (PMID: 15042513, 25118264).

Blueprint Genetics
Classification: Likely pathogenic for CYP4V2-related disorders. Last evaluated: 2020-07-16. Review status: criteria provided, single submitter. Criteria: ACMG Guidelines, 2015. Collection method: clinical testing. Allele origin: germline. Affected: yes. Observed: 4 variant alleles.

Literature cited by the submitters: PubMed 16199547 (cited by Labcorp Genetics (formerly Invitae), Labcorp); PubMed 15042513 (cited by Labcorp Genetics (formerly Invitae), Labcorp); PubMed 25118264 (cited by Labcorp Genetics (formerly Invitae), Labcorp).